The following is an entry in ClinVar:

ClinVar aggregate classification (germline): Pathogenic/Likely pathogenic. Review status: criteria provided, multiple submitters, no conflicts (2 of 4 stars). 5 submissions from 5 submitters: Pathogenic (4); Likely pathogenic (1). Last evaluated 2025-02-22.

Conditions:
Tubulinopathy. Also called: Tubulinopathies. Identifiers: MedGen CN850169, MONDO:0100153.
Inborn genetic diseases. Identifiers: MedGen C0950123, MeSH D030342.
TUBA1A-related disorder. Also called: TUBA1A-related condition.
Lissencephaly due to TUBA1A mutation (CDCBM16). Also called: CORTICAL DYSPLASIA, COMPLEX, WITH OTHER BRAIN MALFORMATIONS 16; Lissencephaly 3. Identifiers: Orphanet 171680, MedGen C4305153, MONDO:0012703, OMIM 611603.

Submissions (5):

PreventionGenetics, part of Exact Sciences
Classification: Pathogenic for TUBA1A-related condition. Last evaluated: 2025-02-22. Review status: criteria provided, single submitter. Criteria: ACMG Guidelines, 2015. Collection method: clinical testing. Allele origin: germline.
Comment: The TUBA1A c.959G>A variant is predicted to result in the amino acid substitution p.Arg320His. This variant has been reported in four fetuses with lissencephaly, with de novo occurrence documented in two cases (Bahi-Buisson et al. 2014. PubMed ID: 24860126; Lefebvre et al. 2020. PubMed ID: 32732226; Bourgon et al. 2022. PubMed ID: 35577939; Weber et al. 2022. PubMed ID: 35686685). This variant has not been reported in a large population database (gnomAD), indicating this variant is rare. This variant is interpreted as pathogenic.

GeneDx
Classification: Pathogenic. Last evaluated: 2023-12-01. Review status: criteria provided, single submitter. Criteria: GeneDx Variant Classification Process June 2021. Collection method: clinical testing. Allele origin: germline. Affected: yes.
Comment: Not observed at significant frequency in large population cohorts (gnomAD); Missense variants in this gene are a common cause of disease and they are underrepresented in the general population; In silico analysis supports that this missense variant has a deleterious effect on protein structure/function; This variant is associated with the following publications: (PMID: 30744660, 24860126, 35686685, 32732226, 25059107)

MVZ Martinsried, Medicover Genetics
Classification: Pathogenic for Lissencephaly due to TUBA1A mutation. Last evaluated: 2022-07-05. Review status: criteria provided, single submitter. Criteria: ACGS Guidelines, 2020. Collection method: clinical testing. Allele origin: de novo. Affected: yes.

Institute of Human Genetics, FAU Erlangen, Friedrich-Alexander-Universität Erlangen-Nürnberg
Classification: Pathogenic for Tubulinopathies. Last evaluated: 2018-07-01. Review status: criteria provided, single submitter. Criteria: ACMG Guidelines, 2015. Collection method: literature only. Allele origin: de novo. Affected: yes. Observed: 2 variant alleles.
Comment: The c.959G>A, p.(Arg320His) variant has been reported as a variant of de novo origin. This variant and associated phenotype was previously reported by Bahi-Buisson et al. Brain, 2014 PMID: 24860126. Agyria (HP:0031882); Dysgenesis of the cerebellar vermis (HP:0002195); Hypoplasia of the brainstem (HP:0002365); Cerebellar dysplasia (HP:0007033); Gray matter heterotopia (HP:0002281); Microcephaly (HP:0000252)

Ambry Genetics
Classification: Likely pathogenic for Inborn genetic diseases. Last evaluated: 2017-04-07. Review status: criteria provided, single submitter. Criteria: Ambry exome assertion method (8-5-2015). Collection method: clinical testing. Allele origin: germline. Affected: yes. Observed: 1 variant allele.

Literature cited by the submitters: PubMed 30744660 (cited by Institute of Human Genetics, FAU Erlangen, Friedrich-Alexander-Universität Erlangen-Nürnberg); DOI 10.1101/427948 (cited by Institute of Human Genetics, FAU Erlangen, Friedrich-Alexander-Universität Erlangen-Nürnberg); PubMed 25059107 (cited by Ambry Genetics); PubMed 24860126 (cited by Ambry Genetics).

NM_006009.4(TUBA1A):c.959G>A (p.Arg320His)

Gene: TUBA1A (tubulin alpha 1a; minus strand). Cytogenetic location: 12q13.12.
Variant type: single nucleotide variant.
Coding change: c.959G>A on transcript NM_006009.4 (MANE Select); coding-DNA position 959, G replaced by A.
Protein change: p.Arg320His; replaces arginine 320 with histidine.
Molecular consequence: missense variant.
Genome position (GRCh38, 1-based): chr12:49,185,407, C>T on the plus strand (G>A on the coding strand, the complement: TUBA1A is on the minus strand). VCF-style: chr12-49185407-C-T. GRCh37 (hg19) VCF-style: chr12-49579190-C-T.
Other names: c.959G>A, p.Arg320His (NM_001270399.2); c.854G>A, p.Arg285His (NM_001270400.2); short protein forms R320H, R285H.
Identifiers: ClinVar variation 521647 (VCV000521647.10), dbSNP rs1555162323, ClinGen allele CA384637808.